The following is an entry in ClinVar:

NM_001083962.2(TCF4):c.1069+30A>G

Gene: TCF4 (transcription factor 4; minus strand). Cytogenetic location: 18q21.2.
Variant type: single nucleotide variant.
Coding change: c.1069+30A>G on transcript NM_001083962.2 (MANE Select); 30 bases into the intron after coding-DNA position 1069, A replaced by G.
Molecular consequence: intron variant.
Genome position (GRCh38, 1-based): chr18:55,259,919, T>C on the plus strand (A>G on the coding strand, the complement: TCF4 is on the minus strand). VCF-style: chr18-55259919-T-C. GRCh37 (hg19) VCF-style: chr18-52927150-T-C.
Other names: NC_000018.9:g.52927150T>C; c.997+30A>G (NM_001369577.1, NM_001369582.1, NM_001243227.2 and 8 more transcripts); c.1000+27A>G (NM_001369586.1); c.1069+30A>G (NM_001369571.1, NM_001369567.1, NM_001369572.1 and 4 more transcripts); c.1087+30A>G (NM_001243228.2); c.1063+30A>G (NM_001243230.2); c.1066+30A>G (NM_001369569.1, NM_001369573.1, NM_001369570.1); c.994+30A>G (NM_001369585.1, NM_001369578.1, NM_001369581.1 and 3 more transcripts); and 6 more.
Identifiers: ClinVar variation 1694874 (VCV001694874.32), dbSNP rs143555588, ClinGen allele CA8970306.

ClinVar aggregate classification (germline): Benign (1 of 4 stars; one submission).

Allele frequency attached by ClinVar (database versions not stated): 1000 Genomes Project 30x 0.00172; 1000 Genomes Project 0.00180; ESP Exome Variant Server 0.00323.
gnomAD v4.1: 7,246 of 1,564,886 alleles (0.46%); highest among the groups gnomAD compares: Non-Finnish European, 0.56%; 28 homozygotes.

Submissions (3):

CeGaT Center for Human Genetics Tuebingen
Classification: Benign. Last evaluated: 2026-08-01. Review status: criteria provided, single submitter. Criteria: CeGaT Center For Human Genetics Tuebingen Variant Classification Criteria Version 2. Collection method: clinical testing. Allele origin: germline. Affected: yes. Observed: 26 variant alleles.
Comment: TCF4: BS1, BS2

Dr. Peter K. Rogan Lab, Western University
No classification provided (evidence only). Condition: Familial cancer of breast. Review status: no classification provided. Collection method: in vitro. Allele origin: not applicable. Functional consequence: retained intron. Not counted in ClinVar's aggregate classification.

Dr. Peter K. Rogan Lab, Western University
No classification provided (evidence only). Condition: Thymoma. Review status: no classification provided. Collection method: in vitro. Allele origin: not applicable. Functional consequence: retained intron. Not counted in ClinVar's aggregate classification.